The following is an entry in ClinVar:

ClinVar aggregate classification (germline): Uncertain significance. Review status: criteria provided, multiple submitters, no conflicts (2 of 4 stars). 3 submissions from 3 submitters: Uncertain significance (2). 1 of the submissions does not count toward it. Last evaluated 2025-03-10.

Conditions:
Inborn genetic diseases. Identifiers: MedGen C0950123, MeSH D030342.
Fanconi anemia (FA). Also called: Fanconi's anemia. Identifiers: Orphanet 84, MedGen C0015625, MeSH D005199, MONDO:0019391.

Allele frequency attached by ClinVar (database versions not stated): TOPMed below 0.00001.

Submissions (3):

Ambry Genetics
Classification: Uncertain significance for Inborn genetic diseases. Last evaluated: 2025-03-10. Review status: criteria provided, single submitter. Criteria: Ambry Variant Classification Scheme 2023. Collection method: clinical testing. Allele origin: germline.
Comment: The p.E642D variant (also known as c.1926A>C), located in coding exon 22 of the FANCA gene, results from an A to C substitution at nucleotide position 1926. The glutamic acid at codon 642 is replaced by aspartic acid, an amino acid with highly similar properties. This amino acid position is conserved. In addition, this alteration is predicted to be tolerated by in silico analysis. Based on the available evidence, the clinical significance of this variant remains unclear.

Labcorp Genetics (formerly Invitae), Labcorp
Classification: Uncertain significance for Fanconi anemia. Last evaluated: 2022-07-23. Review status: criteria provided, single submitter. Criteria: Invitae Variant Classification Sherloc (09022015). Collection method: clinical testing. Allele origin: germline.
Comment: This sequence change replaces glutamic acid, which is acidic and polar, with aspartic acid, which is acidic and polar, at codon 642 of the FANCA protein (p.Glu642Asp). This variant is not present in population databases (gnomAD no frequency). This variant has not been reported in the literature in individuals affected with FANCA-related conditions. Advanced modeling of protein sequence and biophysical properties (such as structural, functional, and spatial information, amino acid conservation, physicochemical variation, residue mobility, and thermodynamic stability) performed at Invitae indicates that this missense variant is not expected to disrupt FANCA protein function. In summary, the available evidence is currently insufficient to determine the role of this variant in disease. Therefore, it has been classified as a Variant of Uncertain Significance.

Natera, Inc.
Classification: Uncertain significance for Fanconi anemia. Last evaluated: 2025-01-28. Review status: no assertion criteria provided. Collection method: clinical testing. Allele origin: germline. Not counted in ClinVar's aggregate classification.

NM_000135.4(FANCA):c.1926A>C (p.Glu642Asp)

Gene: FANCA (FA complementation group A; minus strand). Cytogenetic location: 16q24.3.
Variant type: single nucleotide variant.
Coding change: c.1926A>C on transcript NM_000135.4 (MANE Select); coding-DNA position 1926, A replaced by C.
Protein change: p.Glu642Asp; replaces glutamic acid 642 with aspartic acid.
Molecular consequence: missense variant.
Genome position (GRCh38, 1-based): chr16:89,773,359, T>G on the plus strand (A>C on the coding strand, the complement: FANCA is on the minus strand). VCF-style: chr16-89773359-T-G. GRCh37 (hg19) VCF-style: chr16-89839767-T-G.
Other names: c.1926A>C, p.Glu642Asp (NM_001286167.3); c.1926A>C (NM_000135.3); short protein forms E642D.
Identifiers: ClinVar variation 1991505 (VCV001991505.3), dbSNP rs2039390337, ClinGen allele CA397450305.